The following is an entry in ClinVar:

NM_139058.3(ARX):c.437C>G (p.Ala146Gly)

Genes: ARX (aristaless related homeobox; minus strand), LOC109610631 (aristaless related homeobox polyalanine expansion region; plus strand). Cytogenetic location: Xp21.3.
Variant type: single nucleotide variant.
Coding change: c.437C>G on transcript NM_139058.3 (MANE Select); coding-DNA position 437, C replaced by G.
Protein change: p.Ala146Gly; replaces alanine 146 with glycine.
Molecular consequence: missense variant.
Genome position (GRCh38, 1-based): chrX:25,013,558, G>C on the plus strand (C>G on the coding strand, the complement: ARX is on the minus strand). VCF-style: chrX-25013558-G-C. GRCh37 (hg19) VCF-style: chrX-25031675-G-C.
Other names: c.437C>G (NM_139058.2); short protein forms A146G.
Identifiers: ClinVar variation 2938412 (VCV002938412.4), dbSNP rs1391577394, ClinGen allele CA412613185.

ClinVar aggregate classification (germline): Uncertain significance. Review status: criteria provided, multiple submitters, no conflicts (2 of 4 stars). 2 submissions from 2 submitters: Uncertain significance (2). Last evaluated 2025-08-20.

Conditions:
Developmental and epileptic encephalopathy, 1 (DEE1). Also called: INFANTILE SPASM SYNDROME, X-LINKED 1; X-linked infantile spasms; West's syndrome; Tonic spasms with clustering, arrest of psychomotor development and hypsarrhythmia on EEG; X-Linked Infantile Spasm Syndrome; OHTAHARA SYNDROME, X-LINKED. Identifiers: MedGen C3463992, MONDO:0010632, OMIM 308350. Disease mechanism: loss of function.
Intellectual disability, X-linked, with or without seizures, ARX-related. Also called: MENTAL RETARDATION, X-LINKED 29; MENTAL RETARDATION, X-LINKED 32; MENTAL RETARDATION, X-LINKED 33; MENTAL RETARDATION, X-LINKED 38; MENTAL RETARDATION, X-LINKED 43; MENTAL RETARDATION, X-LINKED 76. Identifiers: Orphanet 777, MedGen C0796244, MONDO:0010317, OMIM 300419.
Inborn genetic diseases. Identifiers: MedGen C0950123, MeSH D030342.

Allele frequency attached by ClinVar (database versions not stated): gnomAD 0.00001; 1000 Genomes Project 30x 0.00021.

Submissions (2):

Ambry Genetics
Classification: Uncertain significance for Inborn genetic diseases. Last evaluated: 2025-08-20. Review status: criteria provided, single submitter. Criteria: Ambry Variant Classification Scheme 2023. Collection method: clinical testing. Allele origin: germline.

Labcorp Genetics (formerly Invitae), Labcorp
Classification: Uncertain significance for Developmental and epileptic encephalopathy, 1; Intellectual disability, X-linked, with or without seizures, ARX-related. Last evaluated: 2023-10-13. Review status: criteria provided, single submitter. Criteria: Invitae Variant Classification Sherloc (09022015). Collection method: clinical testing. Allele origin: germline.
Comment: This sequence change replaces alanine, which is neutral and non-polar, with glycine, which is neutral and non-polar, at codon 146 of the ARX protein (p.Ala146Gly). The frequency data for this variant in the population databases is considered unreliable, as metrics indicate insufficient coverage at this position in the gnomAD database. This variant has not been reported in the literature in individuals affected with ARX-related conditions. Advanced modeling of protein sequence and biophysical properties (such as structural, functional, and spatial information, amino acid conservation, physicochemical variation, residue mobility, and thermodynamic stability) performed at Invitae indicates that this missense variant is not expected to disrupt ARX protein function. In summary, the available evidence is currently insufficient to determine the role of this variant in disease. Therefore, it has been classified as a Variant of Uncertain Significance.